The following is an entry in ClinVar:

ClinVar aggregate classification (germline): Pathogenic (1 of 4 stars; one submission).

Conditions:
Fetal anomalies with a likely genetic cause.

Submission:

Genetics Laboratory, Great Ormond Street Hospital NHS Foundation Trust, North Thames Genomic Laboratory Hub
Classification: Pathogenic for Fetal anomalies with a likely genetic cause. Last evaluated: 2026-07-21. Review status: criteria provided, single submitter. Criteria: ACGS Best Practice Guidelines for Variant Classification in Rare Disease 2024 v1.2. Collection method: clinical testing. Allele origin: germline. Affected: yes.
Comment: PM2_moderate, PVS1_very-strong

NM_021926.4(ALX4):c.298_299insCCCCCCCCCCCCCC (p.Gln100fs)

Gene: ALX4 (ALX homeobox 4; minus strand). Cytogenetic location: 11p11.2.
Variant type: Insertion.
Coding change: c.298_299insCCCCCCCCCCCCCC on transcript NM_021926.4 (MANE Select); coding-DNA positions 298 to 299, CCCCCCCCCCCCCC inserted.
Protein change: p.Gln100fs; shifts the reading frame from glutamine 100.
Molecular consequence: frameshift variant.
Genome position: GRCh38 VCF-style: chr11-44309764-T-TGGGGGGGGGGGGGG. GRCh37 (hg19) VCF-style: chr11-44331314-T-TGGGGGGGGGGGGGG.
Other names: short protein forms Q100fs.
Identifiers: ClinVar variation 4974936 (VCV004974936.1).